The following is an entry in ClinVar:

ClinVar aggregate classification (germline): Uncertain significance. Review status: criteria provided, multiple submitters, no conflicts (2 of 4 stars). 2 submissions from 2 submitters: Uncertain significance (2). Last evaluated 2021-12-07.

Conditions:
Primary dilated cardiomyopathy (DCM). Also called: Dilated Cardiomyopathy. Identifiers: Orphanet 217604, MedGen C0007193, MeSH D002311, MONDO:0005021, HP:0001644. Inheritance: Various modes of inheritance.

Allele frequency attached by ClinVar (database versions not stated): gnomAD 0.00001; TOPMed 0.00001.
gnomAD v4.1: 4 of 1,609,116 alleles (0.00025%); highest among the groups gnomAD compares: East Asian, 0.0022%; no homozygotes.

Submissions (2):

Labcorp Genetics (formerly Invitae), Labcorp
Classification: Uncertain significance for Primary dilated cardiomyopathy. Last evaluated: 2021-12-07. Review status: criteria provided, single submitter. Criteria: Invitae Variant Classification Sherloc (09022015). Collection method: clinical testing. Allele origin: germline.
Comment: This sequence change replaces alanine, which is neutral and non-polar, with valine, which is neutral and non-polar, at codon 481 of the NEBL protein (p.Ala481Val). This variant is present in population databases (no rsID available, gnomAD 0.005%). This variant has not been reported in the literature in individuals affected with NEBL-related conditions. ClinVar contains an entry for this variant (Variation ID: 667289). Algorithms developed to predict the effect of missense changes on protein structure and function output the following: SIFT: "Tolerated"; PolyPhen-2: "Benign"; Align-GVGD: "Class C0". The valine amino acid residue is found in multiple mammalian species, which suggests that this missense change does not adversely affect protein function. Algorithms developed to predict the effect of sequence changes on RNA splicing suggest that this variant may create or strengthen a splice site. In summary, the available evidence is currently insufficient to determine the role of this variant in disease. Therefore, it has been classified as a Variant of Uncertain Significance.

Laboratory for Molecular Medicine, Mass General Brigham Personalized Medicine
Classification: Uncertain significance. Last evaluated: 2018-10-10. Review status: criteria provided, single submitter. Criteria: LMM Criteria. Collection method: clinical testing. Allele origin: germline. Observed: 1 variant allele.
Comment: The p.Ala481Val variant in NEBL has not been reported in individuals with cardio myopathy but has been identified in 1/1618 East Asian chromosomes by gnomAD. Computational prediction tools and conservation analysis suggest that this variant may not impact the protein; however, splice prediction tools suggest a possible impact on splicing. In summary, the clinical significance of this variant is uncertain. ACMG/AMP Criteria applied: PM2.

NM_006393.3(NEBL):c.1442C>T (p.Ala481Val)

Gene: NEBL (nebulette; minus strand). Cytogenetic location: 10p12.31.
Variant type: single nucleotide variant.
Coding change: c.1442C>T on transcript NM_006393.3 (MANE Select); coding-DNA position 1442, C replaced by T.
Protein change: p.Ala481Val; replaces alanine 481 with valine.
Molecular consequence: missense variant. On other transcripts: intron variant (9).
Genome position (GRCh38, 1-based): chr10:20,835,520, G>A on the plus strand (C>T on the coding strand, the complement: NEBL is on the minus strand). VCF-style: chr10-20835520-G-A. GRCh37 (hg19) VCF-style: chr10-21124449-G-A.
Other names: c.250-22580C>T (NM_001377326.1, NM_001377327.1, NM_001377328.1); c.358-22580C>T (NM_213569.2, NM_001173484.2, NM_001377322.1); c.301-22580C>T (NM_001377324.1); c.292-22580C>T (NM_001377325.1); c.310-22580C>T (NM_001377323.1); short protein forms A481V.
Identifiers: ClinVar variation 667289 (VCV000667289.9), dbSNP rs1237891829, ClinGen allele CA376098177.